The following is an entry in ClinVar:

NM_001256789.3(CACNA1F):c.641T>A (p.Leu214Gln)

Gene: CACNA1F (calcium voltage-gated channel subunit alpha1 F; minus strand). Cytogenetic location: Xp11.23.
Variant type: single nucleotide variant.
Coding change: c.641T>A on transcript NM_001256789.3 (MANE Select); coding-DNA position 641, T replaced by A.
Protein change: p.Leu214Gln; replaces leucine 214 with glutamine.
Molecular consequence: missense variant.
Genome position (GRCh38, 1-based): chrX:49,230,490, A>T on the plus strand (T>A on the coding strand, the complement: CACNA1F is on the minus strand). VCF-style: chrX-49230490-A-T. GRCh37 (hg19) VCF-style: chrX-49086952-A-T.
Other names: c.446T>A, p.Leu149Gln (NM_001256790.3); c.641T>A, p.Leu214Gln (NM_005183.4); short protein forms L149Q, L214Q.
Identifiers: ClinVar variation 1719813 (VCV001719813.5), dbSNP rs2519137895, ClinGen allele CA412925172.

ClinVar aggregate classification (germline): Uncertain significance (1 of 4 stars; one submission).

Submission:

Labcorp Genetics (formerly Invitae), Labcorp
Classification: Uncertain significance. Last evaluated: 2024-09-05. Review status: criteria provided, single submitter. Criteria: Invitae Variant Classification Sherloc (09022015). Collection method: clinical testing. Allele origin: germline.
Comment: This sequence change replaces leucine, which is neutral and non-polar, with glutamine, which is neutral and polar, at codon 214 of the CACNA1F protein (p.Leu214Gln). This variant is not present in population databases (gnomAD no frequency). This variant has not been reported in the literature in individuals affected with CACNA1F-related conditions. ClinVar contains an entry for this variant (Variation ID: 1719813). Invitae Evidence Modeling of protein sequence and biophysical properties (such as structural, functional, and spatial information, amino acid conservation, physicochemical variation, residue mobility, and thermodynamic stability) indicates that this missense variant is expected to disrupt CACNA1F protein function with a positive predictive value of 80%. In summary, the available evidence is currently insufficient to determine the role of this variant in disease. Therefore, it has been classified as a Variant of Uncertain Significance.